The following is an entry in ClinVar:

ClinVar aggregate classification (germline): Uncertain significance (1 of 4 stars; one submission).

Conditions:
Hereditary diffuse gastric adenocarcinoma (HDGC). Also called: DIFFUSE GASTRIC AND LOBULAR BREAST CANCER SYNDROME. Identifiers: Orphanet 26106, MedGen C1708349, MONDO:0007648, OMIM 137215.

Submission:

Labcorp Genetics (formerly Invitae), Labcorp
Classification: Uncertain significance for Hereditary diffuse gastric adenocarcinoma. Last evaluated: 2024-10-07. Review status: criteria provided, single submitter. Criteria: Invitae Variant Classification Sherloc (09022015). Collection method: clinical testing. Allele origin: germline.
Comment: This sequence change replaces lysine, which is basic and polar, with asparagine, which is neutral and polar, at codon 215 of the CDH1 protein (p.Lys215Asn). This variant is not present in population databases (gnomAD no frequency). This variant has not been reported in the literature in individuals affected with CDH1-related conditions. An algorithm developed to predict the effect of missense changes on protein structure and function (PolyPhen-2) suggests that this variant is likely to be tolerated. In summary, the available evidence is currently insufficient to determine the role of this variant in disease. Therefore, it has been classified as a Variant of Uncertain Significance.

NM_004360.5(CDH1):c.645G>C (p.Lys215Asn)

Gene: CDH1 (cadherin 1; plus strand). Cytogenetic location: 16q22.1.
Variant type: single nucleotide variant.
Coding change: c.645G>C on transcript NM_004360.5 (MANE Select); coding-DNA position 645, G replaced by C.
Protein change: p.Lys215Asn; replaces lysine 215 with asparagine.
Molecular consequence: missense variant. On other transcripts: 5 prime UTR variant (2).
Genome position (GRCh38, 1-based): chr16:68,808,806, G>C. VCF-style: chr16-68808806-G-C. GRCh37 (hg19) VCF-style: chr16-68842709-G-C.
Other names: c.645G>C, p.Lys215Asn (NM_001317184.2); c.-971G>C (NM_001317185.2); c.-1175G>C (NM_001317186.2); short protein forms K215N.
Identifiers: ClinVar variation 3721768 (VCV003721768.2).